The following is an entry in ClinVar:

ClinVar aggregate classification (germline): Uncertain significance. Review status: criteria provided, multiple submitters, no conflicts (2 of 4 stars). 2 submissions from 2 submitters: Uncertain significance (2). Last evaluated 2026-02-25.

Conditions:
Hereditary cancer-predisposing syndrome. Also called: Tumor predisposition; Hereditary neoplastic syndrome; Hereditary Cancer Syndrome; Neoplastic Syndromes, Hereditary. Identifiers: Orphanet 140162, MedGen C0027672, MeSH D009386, MONDO:0015356.

gnomAD v4.1: 1 of 1,613,844 alleles (0.000062%); highest among the groups gnomAD compares: Non-Finnish European, 0.000085%; no homozygotes.

Submissions (2):

Ambry Genetics
Classification: Uncertain significance for Hereditary cancer-predisposing syndrome. Last evaluated: 2026-02-25. Review status: criteria provided, single submitter. Criteria: Ambry Variant Classification Scheme 2023. Collection method: clinical testing. Allele origin: germline.
Comment: The p.M953V variant (also known as c.2857A>G), located in coding exon 21 of the MSH3 gene, results from an A to G substitution at nucleotide position 2857. The methionine at codon 953 is replaced by valine, an amino acid with highly similar properties. This amino acid position is conserved. In addition, this alteration is predicted to be deleterious by in silico analysis. Based on the available evidence, the clinical significance of this variant remains unclear.

Labcorp Genetics (formerly Invitae), Labcorp
Classification: Uncertain significance. Last evaluated: 2024-01-24. Review status: criteria provided, single submitter. Criteria: Invitae Variant Classification Sherloc (09022015). Collection method: clinical testing. Allele origin: germline.
Comment: This sequence change replaces methionine, which is neutral and non-polar, with valine, which is neutral and non-polar, at codon 953 of the MSH3 protein (p.Met953Val). This variant is not present in population databases (gnomAD no frequency). This variant has not been reported in the literature in individuals affected with MSH3-related conditions. ClinVar contains an entry for this variant (Variation ID: 947300). An algorithm developed to predict the effect of missense changes on protein structure and function (PolyPhen-2) suggests that this variant is likely to be disruptive. In summary, the available evidence is currently insufficient to determine the role of this variant in disease. Therefore, it has been classified as a Variant of Uncertain Significance.

NM_002439.5(MSH3):c.2857A>G (p.Met953Val)

Gene: MSH3 (mutS homolog 3; plus strand). Cytogenetic location: 5q14.1.
Variant type: single nucleotide variant.
Coding change: c.2857A>G on transcript NM_002439.5 (MANE Select); coding-DNA position 2857, A replaced by G.
Protein change: p.Met953Val; replaces methionine 953 with valine.
Molecular consequence: missense variant.
Genome position (GRCh38, 1-based): chr5:80,854,173, A>G. VCF-style: chr5-80854173-A-G. GRCh37 (hg19) VCF-style: chr5-80149992-A-G.
Other names: c.2857A>G (NM_002439.3); short protein forms M953V.
Identifiers: ClinVar variation 947300 (VCV000947300.10), dbSNP rs528928531, ClinGen allele CA360275549.